The following is an entry in ClinVar:

ClinVar aggregate classification (germline): Conflicting classifications of pathogenicity. Review status: criteria provided, conflicting classifications (1 of 4 stars). 7 submissions from 6 submitters: Pathogenic (2); Likely pathogenic (2); Uncertain significance (1). 2 of the submissions do not count toward it. Last evaluated 2025-04-23.

Conditions:
autistic features. Identifiers: MedGen C1846135.
Developmental delay. Also called: Delayed development. Identifiers: MedGen C0424605.
Epilepsy. Also called: Seizure disorder. Identifiers: MedGen C0014544, MeSH D004827, MONDO:0005027.
Familial hyperthyroidism due to mutations in TSH receptor. Also called: TOXIC THYROID HYPERPLASIA, AUTOSOMAL DOMINANT; HYPERTHYROIDISM, CONGENITAL NONAUTOIMMUNE; HYPERTHYROIDISM, NONAUTOIMMUNE, AUTOSOMAL DOMINANT. Identifiers: Orphanet 424, MedGen C1836706, MONDO:0012203, OMIM 609152.
Hypothyroidism due to TSH receptor mutations. Also called: Hypothyroidism, congenital, nongoitrous, 1; HYPOTHYROIDISM DUE TO UNRESPONSIVENESS TO THYROTROPIN; HYPOTHYROIDISM, CONGENITAL, DUE TO TSH RESISTANCE; HYPOTHYROIDISM, NONAUTOIMMUNE; THYROID-STIMULATING HORMONE, RESISTANCE TO; TSH RESISTANCE. Identifiers: Orphanet 90673, MedGen C3493776, MONDO:0010142, OMIM 275200.

Allele frequency attached by ClinVar (database versions not stated): gnomAD 0.00001; TOPMed 0.00001; ExAC 0.00004; gnomAD exomes 0.00004.
gnomAD v4.1: 56 of 1,614,100 alleles (0.0035%); highest among the groups gnomAD compares: Non-Finnish European, 0.0047%; no homozygotes.

Submissions (7):

Variantyx, Inc.
Classification: Likely pathogenic for Hypothyroidism due to TSH receptor mutations. Last evaluated: 2025-04-23. Review status: criteria provided, single submitter. Criteria: Variantyx Assertion Criteria 2022. Collection method: clinical testing. Allele origin: germline. Inheritance: Autosomal recessive inheritance. Affected: no.
Comment: This is a nonsynonymous variant in the TSHR gene (OMIM: 603372). Pathogenic variants in this gene have been associated with autosomal recessive congenital nongoitrous hypothyroidism 1. Functional studies have shown that this variant alters TSHR protein function (PMID: 11278376) (PS3), and multiple computational algorithms predict a deleterious effect for this variant (REVEL score: 0.745) (PP3). This variant has a 0.0047% maximum allele frequency in non-founder control populations (PM2). It has been seen in the heterozygous state in 7 pediatric patients with subclinical hypothyroidism (PMID:28561265). Based on the current evidence, this variant is classified as likely pathogenic for autosomal recessive congenital nongoitrous hypothyroidism 1.

New York Genome Center
Classification: Pathogenic for Familial hyperthyroidism due to mutations in TSH receptor. Last evaluated: 2025-03-11. Review status: criteria provided, single submitter. Criteria: NYGC Assertion Criteria 2020. Collection method: clinical testing. Allele origin: inherited. Observed: 1 variant allele, 1 heterozygote.
Comment: The heterozygous inherited c.122G>C variant identified in the TSHR gene is a single nucleotide variant located in exon 1 of this 10-exon gene, predicted to replace an evolutionarily conserved cysteine amino acid with serine at position 41 (p.(Cys41Ser)) in the extracellular domain of the encoded protein. In silico predictions are in favor of a damaging effect for the p.(Cys41Ser) variant [REVEL = 0.745; AlphaMissense = 0.9759]. The c.122G>C variant is observed with low frequency in population databases (allele frequency=3.43e-5, 0 homozygotes; gnomAD v4.1, All of Us), suggesting it is not a common benign variant in the populations represented in those databases. This variant has been deposited in ClinVar (ClinVar ID: 6442) as Pathogenic (n=1), Likely Pathogenic (n=1), and as a Variant of Uncertain Significance (n=1), and has been reported in compound heterozygosity with a second pathogenic variant in individuals with autosomal recessive congenital hypothyroidism [PMID: 25978107, 8954020]. The c.122G>C variant in TSHR has also been reported as a single heterozygous variant in multiple individuals, many of whom had abnormal newborn screening results and/or neonatal or juvenile evidence of elevated TSH with normal thyroid hormones and were subsequently diagnosed with subclinical hypothyroidism [PMID:12050212, 16060907, 19417038, 22049173, 31541602, 28561265]. The c.122G>C, p.(Cys41Ser) variant has also been reported to segregate with an autosomal dominant inheritance pattern in multiple family members with elevated TSH, normal thyroid hormones and subclinical hypothyroidism [PMID:16060907, 16135555, 19417038, 28561265]. Functional studies suggest that p.(Cys41Ser) abolishes expression of TSHR at cell surface due to intracellular retention of the variant protein [PMID:1584215, 11278376, 12050212]. Functional studies also suggest the p.(Cys41Ser) variant acts in a dominant-negative manner by leading to intracellular retention of wildtype protein in the presence of the variant protein, further reducing the presence of functional TSHR at the cell membrane [PMID:16135555], which in combination with other genetic and/or environmental factors is thought to contribute to the observation of subclinical hypothyroidism with elevated TSH and normal thyroid hormone in heterozygous carriers of this variant [PMID:20083154]. Given the available evidence, the inherited, c.122G>C p.(Cys41Ser) variant identified in the TSHR gene is reported as Pathogenic.

GeneDx
Classification: Likely pathogenic. Last evaluated: 2024-07-16. Review status: criteria provided, single submitter. Criteria: GeneDx Variant Classification Process June 2021. Collection method: clinical testing. Allele origin: germline. Affected: yes.
Comment: Published functional studies demonstrate a damaging effect with loss of function of the receptor and a partial dominate negative effect (PMID: 11278376, 16135555); Identified as a single heterozygous variant in patients with hypothyroidism in published literature (PMID: 12050212, 28561265, 33124651); In silico analysis supports that this missense variant has a deleterious effect on protein structure/function; This variant is associated with the following publications: (PMID: 1584215, 21745101, 11278376, 16135555, 8954020, 12050212, 28444304, 37047169, 36125728, 29625052, 31541602, 34200080, 33124651, 25978107, 16117192, 28561265, 36451132)

Women's Health and Genetics/Laboratory Corporation of America, LabCorp
Classification: Uncertain significance. Last evaluated: 2024-06-12. Review status: criteria provided, single submitter. Criteria: LabCorp Variant Classification Summary - May 2015. Collection method: clinical testing. Allele origin: germline.
Comment: Variant summary: TSHR c.122G>C (p.Cys41Ser) results in a non-conservative amino acid change in the encoded protein sequence. Three of five in-silico tools predict a damaging effect of the variant on protein function. The variant allele was found at a frequency of 4e-05 in 249792 control chromosomes. This frequency is not significantly higher than estimated for a pathogenic variant in TSHR causing Hypothyroidism Due To TSH Receptor Mutations, allowing no conclusion about variant significance. c.122G>C has been reported in the literature in individuals affected with Hypothyroidism Due To TSH Receptor Mutations (deRoux_1996, Acar_2022). These data indicate that the variant may be associated with disease. To our knowledge, no experimental evidence demonstrating an impact on protein function has been reported. The following publications have been ascertained in the context of this evaluation (PMID: 34780050, 19417038, 16117192, 8954020). ClinVar contains an entry for this variant (Variation ID: 6442). Based on the evidence outlined above, the variant was classified as VUS-possibly pathogenic.

Centre for Mendelian Genomics, University Medical Centre Ljubljana
Classification: Pathogenic for Familial hyperthyroidism due to mutations in TSH receptor. Last evaluated: 2016-01-01. Review status: criteria provided, single submitter. Criteria: ACMG Guidelines, 2015. Collection method: clinical testing. Allele origin: unknown. Affected: yes.
Comment: This variant was classified as: Pathogenic.

Centre for Mendelian Genomics, University Medical Centre Ljubljana
Classification: Pathogenic for Epilepsy; autistic features; developmental delay. Last evaluated: 2016-07-04. Review status: no assertion criteria provided. Collection method: clinical testing. Allele origin: unknown. Affected: yes. Not counted in ClinVar's aggregate classification.

OMIM
Classification: Pathogenic for HYPOTHYROIDISM, CONGENITAL, NONGOITROUS, 1. Last evaluated: 2002-06-01. Review status: no assertion criteria provided. Collection method: literature only. Allele origin: germline. Not counted in ClinVar's aggregate classification.

Literature cited by the submitters: PubMed 28561265 (cited by Variantyx, Inc. and New York Genome Center); PubMed 11278376 (cited by Variantyx, Inc.); PubMed 12050212 (cited by New York Genome Center and OMIM); PubMed 16060907 (cited by New York Genome Center); PubMed 19417038 (cited by New York Genome Center and Women's Health and Genetics/Laboratory Corporation of America, LabCorp); PubMed 22049173 (cited by New York Genome Center); PubMed 31541602 (cited by New York Genome Center); PubMed 34780050 (cited by Women's Health and Genetics/Laboratory Corporation of America, LabCorp); PubMed 8954020 (cited by Women's Health and Genetics/Laboratory Corporation of America, LabCorp); PubMed 16117192 (cited by Women's Health and Genetics/Laboratory Corporation of America, LabCorp); PubMed 8964822 (cited by OMIM).

NM_000369.5(TSHR):c.122G>C (p.Cys41Ser)

Genes: CEP128 (centrosomal protein 128; minus strand), TSHR (thyroid stimulating hormone receptor; plus strand). Cytogenetic location: 14q31.1.
Variant type: single nucleotide variant.
Coding change: c.122G>C on transcript NM_000369.5 (MANE Select); coding-DNA position 122, G replaced by C.
Protein change: p.Cys41Ser; replaces cysteine 41 with serine.
Molecular consequence: missense variant.
Genome position (GRCh38, 1-based): chr14:80,955,802, G>C. VCF-style: chr14-80955802-G-C. GRCh37 (hg19) VCF-style: chr14-81422146-G-C.
Other names: c.122G>C, p.Cys41Ser (NM_001018036.3, NM_001142626.3); short protein forms C41S.
Identifiers: ClinVar variation 6442 (VCV000006442.8), dbSNP rs121908869, ClinGen allele CA118227.